The following is an entry in ClinVar:

ClinVar aggregate classification (germline): Uncertain significance (1 of 4 stars; one submission).

Conditions:
Charcot-Marie-Tooth disease axonal type 2O. Also called: CHARCOT-MARIE-TOOTH NEUROPATHY, AXONAL, TYPE 2O; CHARCOT-MARIE-TOOTH DISEASE, AXONAL, AUTOSOMAL DOMINANT, TYPE 2O; Charcot-Marie-Tooth disease, axonal, type 20; Charcot-Marie-Tooth Neuropathy Type 2O. Identifiers: Orphanet 284232, MedGen C3280220, MONDO:0013644, OMIM 614228.

Allele frequency attached by ClinVar (database versions not stated): gnomAD exomes below 0.00001.

Submission:

Labcorp Genetics (formerly Invitae), Labcorp
Classification: Uncertain significance for Charcot-Marie-Tooth disease axonal type 2O. Last evaluated: 2022-12-06. Review status: criteria provided, single submitter. Criteria: Invitae Variant Classification Sherloc (09022015). Collection method: clinical testing. Allele origin: germline.
Comment: In summary, the available evidence is currently insufficient to determine the role of this variant in disease. Therefore, it has been classified as a Variant of Uncertain Significance. Advanced modeling of protein sequence and biophysical properties (such as structural, functional, and spatial information, amino acid conservation, physicochemical variation, residue mobility, and thermodynamic stability) performed at Invitae indicates that this missense variant is not expected to disrupt DYNC1H1 protein function. ClinVar contains an entry for this variant (Variation ID: 840066). This variant has not been reported in the literature in individuals affected with DYNC1H1-related conditions. This variant is not present in population databases (gnomAD no frequency). This sequence change replaces glutamic acid, which is acidic and polar, with aspartic acid, which is acidic and polar, at codon 1074 of the DYNC1H1 protein (p.Glu1074Asp).

NM_001376.5(DYNC1H1):c.3222A>C (p.Glu1074Asp)

Gene: DYNC1H1 (dynein cytoplasmic 1 heavy chain 1; plus strand). Cytogenetic location: 14q32.31.
Variant type: single nucleotide variant.
Coding change: c.3222A>C on transcript NM_001376.5 (MANE Select); coding-DNA position 3222, A replaced by C.
Protein change: p.Glu1074Asp; replaces glutamic acid 1074 with aspartic acid.
Molecular consequence: missense variant.
Genome position (GRCh38, 1-based): chr14:101,994,738, A>C. VCF-style: chr14-101994738-A-C. GRCh37 (hg19) VCF-style: chr14-102461075-A-C.
Other names: short protein forms E1074D.
Identifiers: ClinVar variation 840066 (VCV000840066.9), dbSNP rs2048038698, ClinGen allele CA391032997.